The following is an entry in ClinVar:

ClinVar aggregate classification (germline): Uncertain significance (1 of 4 stars; one submission).

Submission:

CeGaT Center for Human Genetics Tuebingen
Classification: Uncertain significance. Last evaluated: 2025-06-01. Review status: criteria provided, single submitter. Criteria: CeGaT Center For Human Genetics Tuebingen Variant Classification Criteria Version 2. Collection method: clinical testing. Allele origin: germline. Affected: yes. Observed: 1 variant allele.
Comment: GNAI2: PM2, PP3

NM_002070.4(GNAI2):c.224G>A (p.Ser75Asn)

Gene: GNAI2 (G protein subunit alpha i2; plus strand). Cytogenetic location: 3p21.31.
Variant type: single nucleotide variant.
Coding change: c.224G>A on transcript NM_002070.4 (MANE Select); coding-DNA position 224, G replaced by A.
Protein change: p.Ser75Asn; replaces serine 75 with asparagine.
Molecular consequence: missense variant. On other transcripts: 5 prime UTR variant (1).
Genome position (GRCh38, 1-based): chr3:50,252,459, G>A. VCF-style: chr3-50252459-G-A. GRCh37 (hg19) VCF-style: chr3-50289891-G-A.
Other names: c.113G>A, p.Ser38Asn (NM_001166425.2); c.68G>A, p.Ser23Asn (NM_001282617.2); c.-20G>A (NM_001282618.2); c.176G>A, p.Ser59Asn (NM_001282619.2, NM_001282620.2); short protein forms S23N, S38N, S59N, S75N.
Identifiers: ClinVar variation 4085240 (VCV004085240.8).